The following is an entry in ClinVar:

ClinVar aggregate classification (germline): Uncertain significance (1 of 4 stars; one submission).

Allele frequency attached by ClinVar (database versions not stated): gnomAD exomes below 0.00001; ExAC 0.00001; gnomAD 0.00001; TOPMed 0.00002.
gnomAD v4.1: 8 of 1,614,056 alleles (0.0005%); highest among the groups gnomAD compares: East Asian, 0.0022%; no homozygotes.

Submission:

Labcorp Genetics (formerly Invitae), Labcorp
Classification: Uncertain significance. Last evaluated: 2022-09-27. Review status: criteria provided, single submitter. Criteria: Invitae Variant Classification Sherloc (09022015). Collection method: clinical testing. Allele origin: germline.
Comment: This sequence change replaces threonine, which is neutral and polar, with methionine, which is neutral and non-polar, at codon 645 of the ABCA1 protein (p.Thr645Met). This variant is present in population databases (rs775631816, gnomAD 0.003%). This variant has not been reported in the literature in individuals affected with ABCA1-related conditions. ClinVar contains an entry for this variant (Variation ID: 1525570). Algorithms developed to predict the effect of missense changes on protein structure and function are either unavailable or do not agree on the potential impact of this missense change (SIFT: "Deleterious"; PolyPhen-2: "Probably Damaging"; Align-GVGD: "Class C0"). In summary, the available evidence is currently insufficient to determine the role of this variant in disease. Therefore, it has been classified as a Variant of Uncertain Significance.

NM_005502.4(ABCA1):c.1934C>T (p.Thr645Met)

Gene: ABCA1 (ATP binding cassette subfamily A member 1; minus strand). Cytogenetic location: 9q31.1.
Variant type: single nucleotide variant.
Coding change: c.1934C>T on transcript NM_005502.4 (MANE Select); coding-DNA position 1934, C replaced by T.
Protein change: p.Thr645Met; replaces threonine 645 with methionine.
Molecular consequence: missense variant.
Genome position (GRCh38, 1-based): chr9:104,829,097, G>A on the plus strand (C>T on the coding strand, the complement: ABCA1 is on the minus strand). VCF-style: chr9-104829097-G-A. GRCh37 (hg19) VCF-style: chr9-107591378-G-A.
Other names: short protein forms T645M.
Identifiers: ClinVar variation 1525570 (VCV001525570.3), dbSNP rs775631816, ClinGen allele CA5168862.